The following is an entry in ClinVar:

ClinVar aggregate classification (germline): Uncertain significance. Review status: criteria provided, multiple submitters, no conflicts (2 of 4 stars). 2 submissions from 2 submitters: Uncertain significance (2). Last evaluated 2025-04-21.

Conditions:
Hereditary cancer-predisposing syndrome. Also called: Neoplastic Syndromes, Hereditary; Tumor predisposition; Hereditary Cancer Syndrome; Hereditary neoplastic syndrome. Identifiers: Orphanet 140162, MedGen C0027672, MeSH D009386, MONDO:0015356.

Allele frequency attached by ClinVar (database versions not stated): gnomAD exomes below 0.00001.
gnomAD v4.1: 1 of 1,609,022 alleles (0.000062%); highest among the groups gnomAD compares: East Asian, 0.0022%; no homozygotes.

Submissions (2):

Labcorp Genetics (formerly Invitae), Labcorp
Classification: Uncertain significance for Hereditary cancer-predisposing syndrome. Last evaluated: 2025-04-21. Review status: criteria provided, single submitter. Criteria: Invitae Variant Classification Sherloc (09022015). Collection method: clinical testing. Allele origin: germline.
Comment: This sequence change replaces glutamine, which is neutral and polar, with proline, which is neutral and non-polar, at codon 413 of the RAD50 protein (p.Gln413Pro). This variant is not present in population databases (gnomAD no frequency). This variant has not been reported in the literature in individuals affected with RAD50-related conditions. ClinVar contains an entry for this variant (Variation ID: 482108). Invitae Evidence Modeling of protein sequence and biophysical properties (such as structural, functional, and spatial information, amino acid conservation, physicochemical variation, residue mobility, and thermodynamic stability) indicates that this missense variant is expected to disrupt RAD50 protein function with a positive predictive value of 80%. In summary, the available evidence is currently insufficient to determine the role of this variant in disease. Therefore, it has been classified as a Variant of Uncertain Significance.

Ambry Genetics
Classification: Uncertain significance for Hereditary cancer-predisposing syndrome. Last evaluated: 2023-07-29. Review status: criteria provided, single submitter. Criteria: Ambry Variant Classification Scheme 2023. Collection method: clinical testing. Allele origin: germline.
Comment: The p.Q413P variant (also known as c.1238A>C), located in coding exon 8 of the RAD50 gene, results from an A to C substitution at nucleotide position 1238. The glutamine at codon 413 is replaced by proline, an amino acid with similar properties. This variant was not reported in population based cohorts in the following databases: Database of Single Nucleotide Polymorphisms (dbSNP), NHLBI Exome Sequencing Project (ESP), and 1000 Genomes Project. In the ESP, this variant was not observed in 6503 samples (13006 alleles) with coverage at this position. To date, this alteration has been detected with an allele frequency of approximately 0.001% (greater than 120000 alleles tested) in our clinical cohort. This amino acid position is poorly conserved in available vertebrate species. In addition, this alteration is predicted to be tolerated by in silico analysis. Since supporting evidence is limited at this time, the clinical significance of this alteration remains unclear.

NM_005732.4(RAD50):c.1238A>C (p.Gln413Pro)

Gene: RAD50 (RAD50 double strand break repair protein; plus strand). Cytogenetic location: 5q31.1.
Variant type: single nucleotide variant.
Coding change: c.1238A>C on transcript NM_005732.4 (MANE Select); coding-DNA position 1238, A replaced by C.
Protein change: p.Gln413Pro; replaces glutamine 413 with proline.
Molecular consequence: missense variant.
Genome position (GRCh38, 1-based): chr5:132,588,873, A>C. VCF-style: chr5-132588873-A-C. GRCh37 (hg19) VCF-style: chr5-131924565-A-C.
Other names: short protein forms Q413P.
Identifiers: ClinVar variation 482108 (VCV000482108.13), dbSNP rs1335715771, ClinGen allele CA360943049.
Genomic context (GRCh38, chr5:132,588,873, plus strand): 5'-TTAAAAATTTTCACAAACTTGTGAGAGAGAGACAAGAAGGGGAAGCAAAAACTGCCAACC[A>C]ACTGATGGCAAGTATTTTGAAATACAGTATTTGTTATTTTGTTTGCATCATATTCTCTAC-3'
Protein context (NP_005723.2, residues 403-423): RQEGEAKTAN[Gln413Pro]LMNDFAEKET